The following is an entry in ClinVar:

NM_144670.6(A2ML1):c.1946_1953del (p.Met649fs)

Gene: A2ML1 (alpha-2-macroglobulin like 1; plus strand). Cytogenetic location: 12p13.31.
Variant type: Deletion.
Coding change: c.1946_1953del on transcript NM_144670.6 (MANE Select); coding-DNA positions 1946 to 1953, 8 bases deleted (TGCCCCAA; older notation c.1946_1953delTGCCCCAA).
Protein change: p.Met649fs; shifts the reading frame from methionine 649.
Molecular consequence: frameshift variant.
Genome position (GRCh38, 1-based): chr12:8,848,832-8,848,839, TGCCCCAA deleted; deleting any 8 consecutive bases within chr12:8,848,827-8,848,839 gives the same sequence; the c. name uses the placement nearest the transcript's 3' end. VCF-style (leftmost placement, unchanged base first): chr12-8848826-ACCCAATGC-A. GRCh37 (hg19) VCF-style: chr12-9001422-ACCCAATGC-A.
Other names: c.473_480del, p.Met158fs (NM_001282424.3); short protein forms M158fs, M649fs.
Identifiers: ClinVar variation 4725339 (VCV004725339.1).
Genomic context (GRCh38, chr12:8,848,826, plus strand): 5'-TGGCTGAGTATGATCAGTGTCCAGTGTCTGGCCCATGGGACTTTCCTCAGCCCCTCATTG[ACCCAATGC>A]CCCAAGGGCATTCGAGCCAGCGTTCCATTATCTGGAGGCCCTCGTTCTCTGAAGGCACGG-3'

ClinVar aggregate classification (germline): Uncertain significance (1 of 4 stars; one submission).

Submission:

Labcorp Genetics (formerly Invitae), Labcorp
Classification: Uncertain significance. Last evaluated: 2025-07-30. Review status: criteria provided, single submitter. Criteria: Invitae Variant Classification Sherloc (09022015). Collection method: clinical testing. Allele origin: germline.
Comment: This sequence change creates a premature translational stop signal (p.Met649Argfs*16) in the A2ML1 gene. It is expected to result in an absent or disrupted protein product. However, the current clinical and genetic evidence is not sufficient to establish whether loss-of-function variants in A2ML1 cause disease. This variant is present in population databases (rs768435335, gnomAD 0.006%). This variant has not been reported in the literature in individuals affected with A2ML1-related conditions. In summary, the available evidence is currently insufficient to determine the role of this variant in disease. Therefore, it has been classified as a Variant of Uncertain Significance.